The following is an entry in ClinVar:

NM_000875.5(IGF1R):c.94+7A>G

Genes: IGF1R (insulin like growth factor 1 receptor; plus strand), IRAIN (IGF1R antisense imprinted non-protein coding RNA; minus strand). Cytogenetic location: 15q26.3.
Variant type: single nucleotide variant.
Coding change: c.94+7A>G on transcript NM_000875.5 (MANE Select); 7 bases into the intron after coding-DNA position 94, A replaced by G.
Molecular consequence: intron variant. On other transcripts: non-coding transcript variant (1).
Genome position (GRCh38, 1-based): chr15:98,649,682, A>G. VCF-style: chr15-98649682-A-G. GRCh37 (hg19) VCF-style: chr15-99192911-A-G.
Other names: c.94+7A>G (NM_001291858.2).
Identifiers: ClinVar variation 739870 (VCV000739870.5), dbSNP rs201544675, ClinGen allele CA7751719.

ClinVar aggregate classification (germline): Likely benign. Review status: criteria provided, single submitter (1 of 4 stars). 2 submissions from 2 submitters: Likely benign (1). 1 of the submissions does not count toward it. Last evaluated 2018-07-31.

Conditions:
IGF1R-related disorder. Also called: IGF1R-related condition.

Allele frequency attached by ClinVar (database versions not stated): gnomAD 0.00001 and 0.00003; gnomAD exomes 0.00002 and 0.00006; TOPMed 0.00004; ExAC 0.00005; 1000 Genomes Project 30x 0.00047; 1000 Genomes Project 0.00060.
gnomAD v4.1: 34 of 1,602,262 alleles (0.0021%); highest among the groups gnomAD compares: East Asian, 0.061%; no homozygotes.

Submissions (2):

Labcorp Genetics (formerly Invitae), Labcorp
Classification: Likely benign. Last evaluated: 2018-07-31. Review status: criteria provided, single submitter. Criteria: Invitae Variant Classification Sherloc (09022015). Collection method: clinical testing. Allele origin: germline.

PreventionGenetics, part of Exact Sciences
Classification: Likely benign for IGF1R-related condition. Last evaluated: 2020-07-28. Review status: no assertion criteria provided. Collection method: clinical testing. Allele origin: germline. Not counted in ClinVar's aggregate classification.
Comment: This variant is classified as likely benign based on ACMG/AMP sequence variant interpretation guidelines (Richards et al. 2015 PMID: 25741868, with internal and published modifications).